The following is an entry in ClinVar:

ClinVar aggregate classification (germline): Likely pathogenic. Review status: no assertion criteria provided (0 of 4 stars). 2 submissions from 2 submitters: Likely pathogenic (1). 1 of the submissions does not count toward it. Last evaluated 2020-11-01.

Conditions:
von Willebrand disease type 3 (VWD3). Also called: Type 3 Von Willebrand's disease; Type 3 VWD; Von Willebrand disease, severe form; V WD3; VON WILLEBRAND DISEASE, TYPE III. Identifiers: Orphanet 166096, MedGen C1264041, MONDO:0010191, OMIM 277480.

Allele frequency attached by ClinVar (database versions not stated): gnomAD exomes below 0.00001 and 0.00001; TOPMed below 0.00001; ExAC 0.00001.
gnomAD v4.1: 2 of 1,614,174 alleles (0.00012%); highest among the groups gnomAD compares: African/African-American, 0.0013%; no homozygotes.

Submissions (2):

Angelo Bianchi Bonomi Hemophilia and Thrombosis Center, Fondazione IRCCS Ca Granda Ospedale Maggiore Policlinico
Classification: Likely pathogenic for von Willebrand disease type 3. Last evaluated: 2020-11-01. Review status: no assertion criteria provided. Collection method: clinical testing. Allele origin: germline. Affected: yes. Study: Type 3 Von Willebrand International Registries Inhibitor Prospective Study (3WINTERS-IPS).
Comment: ClinGen Pathogenicity Calculator

Academic Unit of Haematology, University of Sheffield
No classification provided. Review status: no classification provided. Collection method: not provided. Allele origin: not provided. Not counted in ClinVar's aggregate classification.

NM_000552.5(VWF):c.8216G>A (p.Cys2739Tyr)

Gene: VWF (von Willebrand factor; minus strand). Cytogenetic location: 12p13.31.
Variant type: single nucleotide variant.
Coding change: c.8216G>A on transcript NM_000552.5 (MANE Select); coding-DNA position 8216, G replaced by A.
Protein change: p.Cys2739Tyr; replaces cysteine 2739 with tyrosine.
Molecular consequence: missense variant.
Genome position (GRCh38, 1-based): chr12:5,949,823, C>T on the plus strand (G>A on the coding strand, the complement: VWF is on the minus strand). VCF-style: chr12-5949823-C-T. GRCh37 (hg19) VCF-style: chr12-6058989-C-T.
Other names: short protein forms C2739Y.
Identifiers: ClinVar variation 100495 (VCV000100495.4), dbSNP rs61751305, ClinGen allele CA228832.